The following is an entry in ClinVar:

ClinVar aggregate classification (germline): Likely pathogenic. Review status: criteria provided, single submitter (1 of 4 stars). 2 submissions from 2 submitters: Likely pathogenic (1). 1 of the submissions does not count toward it. Last evaluated 2019-10-09.

Conditions:
Intellectual developmental disorder, autosomal dominant 48. Also called: MENTAL RETARDATION, AUTOSOMAL DOMINANT 48; Intellectual disability, autosomal dominant 48. Identifiers: Orphanet 500159, MedGen C4540321, MONDO:0030913, OMIM 617751.

Submissions (2):

GeneDx
Classification: Likely pathogenic. Last evaluated: 2019-10-09. Review status: criteria provided, single submitter. Criteria: GeneDx Variant Classification Process June 2021. Collection method: clinical testing. Allele origin: germline. Affected: yes.
Comment: Not observed in large population cohorts (Lek et al., 2016); In silico analysis, which includes protein predictors and evolutionary conservation, supports a deleterious effect; This variant is associated with the following publications: (PMID: 28886345)

OMIM
Classification: Pathogenic for INTELLECTUAL DEVELOPMENTAL DISORDER, AUTOSOMAL DOMINANT 48. Last evaluated: 2022-12-09. Review status: no assertion criteria provided. Collection method: literature only. Allele origin: germline. Not counted in ClinVar's aggregate classification.

Literature cited by the submitters: PubMed 28886345 (cited by OMIM).

NM_006908.5(RAC1):c.470G>A (p.Cys157Tyr)

Gene: RAC1 (Rac family small GTPase 1; plus strand). Cytogenetic location: 7p22.1.
Variant type: single nucleotide variant.
Coding change: c.470G>A on transcript NM_006908.5 (MANE Select); coding-DNA position 470, G replaced by A.
Protein change: p.Cys157Tyr; replaces cysteine 157 with tyrosine.
Molecular consequence: missense variant.
Genome position (GRCh38, 1-based): chr7:6,402,337, G>A. VCF-style: chr7-6402337-G-A. GRCh37 (hg19) VCF-style: chr7-6441968-G-A.
Other names: c.527G>A, p.Cys176Tyr (NM_018890.4); short protein forms C157Y, C176Y.
Identifiers: ClinVar variation 445282 (VCV000445282.5), dbSNP rs1554264268, ClinGen allele CA366766822.
Genomic context (GRCh38, chr7:6,402,337, plus strand): 5'-GGTCGAGTGTACATTGCCGTGTGGTCGTGTTTCCTGTAGGTGCTGTAAAATACCTGGAGT[G>A]CTCGGCGCTCACACAGCGAGGCCTCAAGACAGTGTTTGACGAAGCGATCCGAGCAGTCCT-3'
Protein context (NP_008839.2, residues 147-167): KEIGAVKYLE[Cys157Tyr]SALTQRGLKT